The following is an entry in ClinVar:

NM_152305.3(POGLUT1):c.733A>C (p.Met245Leu)

Gene: POGLUT1 (protein O-glucosyltransferase 1; plus strand). Cytogenetic location: 3q13.33.
Variant type: single nucleotide variant.
Coding change: c.733A>C on transcript NM_152305.3 (MANE Select); coding-DNA position 733, A replaced by C.
Protein change: p.Met245Leu; replaces methionine 245 with leucine.
Molecular consequence: missense variant. On other transcripts: non-coding transcript variant (1).
Genome position (GRCh38, 1-based): chr3:119,486,927, A>C. VCF-style: chr3-119486927-A-C. GRCh37 (hg19) VCF-style: chr3-119205774-A-C.
Other names: c.733A>C, p.Met245Leu (NM_020231.3); short protein forms M245L.
Identifiers: ClinVar variation 2800059 (VCV002800059.3), dbSNP rs368566548, ClinGen allele CA354046038.
Genomic context (GRCh38, chr3:119,486,927, plus strand): 5'-TCTCGGAAAAACCCAAAACTTGTTGATGCAGAATACACCAAAAACCAGGCCTGGAAATCT[A>C]TGAAAGTAATCACCAGTCATCTGACTAGAACTACAGCAGTGAACATTCTCACTCAAAGAA-3'
Protein context (NP_689518.1, residues 235-255): EYTKNQAWKS[Met245Leu]KDTLGKPAAK

ClinVar aggregate classification (germline): Uncertain significance (1 of 4 stars; one submission).

Submission:

Labcorp Genetics (formerly Invitae), Labcorp
Classification: Uncertain significance. Last evaluated: 2023-12-02. Review status: criteria provided, single submitter. Criteria: Invitae Variant Classification Sherloc (09022015). Collection method: clinical testing. Allele origin: germline.
Comment: This sequence change replaces methionine, which is neutral and non-polar, with leucine, which is neutral and non-polar, at codon 245 of the POGLUT1 protein (p.Met245Leu). This variant is not present in population databases (gnomAD no frequency). This variant has not been reported in the literature in individuals affected with POGLUT1-related conditions. Advanced modeling of protein sequence and biophysical properties (such as structural, functional, and spatial information, amino acid conservation, physicochemical variation, residue mobility, and thermodynamic stability) performed at Invitae indicates that this missense variant is not expected to disrupt POGLUT1 protein function with a negative predictive value of 80%. In summary, the available evidence is currently insufficient to determine the role of this variant in disease. Therefore, it has been classified as a Variant of Uncertain Significance.